The following is an entry in ClinVar:

NM_001711.6(BGN):c.343C>A (p.His115Asn)

Gene: BGN (biglycan; plus strand). Cytogenetic location: Xq28.
Variant type: single nucleotide variant.
Coding change: c.343C>A on transcript NM_001711.6 (MANE Select); coding-DNA position 343, C replaced by A.
Protein change: p.His115Asn; replaces histidine 115 with asparagine.
Molecular consequence: missense variant.
Genome position (GRCh38, 1-based): chrX:153,505,342, C>A. VCF-style: chrX-153505342-C-A. GRCh37 (hg19) VCF-style: chrX-152770800-C-A.
Other names: short protein forms H115N.
Identifiers: ClinVar variation 1731447 (VCV001731447.6), dbSNP rs868971585, ClinGen allele CA415068998.

ClinVar aggregate classification (germline): Uncertain significance. Review status: criteria provided, multiple submitters, no conflicts (2 of 4 stars). 2 submissions from 2 submitters: Uncertain significance (2). Last evaluated 2025-07-15.

Conditions:
Cardiovascular phenotype. Identifiers: MedGen CN230736.

Allele frequency attached by ClinVar (database versions not stated): TOPMed 0.00001.

Submissions (2):

Ambry Genetics
Classification: Uncertain significance for Cardiovascular phenotype. Last evaluated: 2025-07-15. Review status: criteria provided, single submitter. Criteria: Ambry Variant Classification Scheme 2023. Collection method: clinical testing. Allele origin: germline.

Labcorp Genetics (formerly Invitae), Labcorp
Classification: Uncertain significance. Last evaluated: 2024-02-11. Review status: criteria provided, single submitter. Criteria: Invitae Variant Classification Sherloc (09022015). Collection method: clinical testing. Allele origin: germline.
Comment: This sequence change replaces histidine, which is basic and polar, with asparagine, which is neutral and polar, at codon 115 of the BGN protein (p.His115Asn). This variant is not present in population databases (gnomAD no frequency). This variant has not been reported in the literature in individuals affected with BGN-related conditions. ClinVar contains an entry for this variant (Variation ID: 1731447). Advanced modeling of protein sequence and biophysical properties (such as structural, functional, and spatial information, amino acid conservation, physicochemical variation, residue mobility, and thermodynamic stability) performed at Invitae indicates that this missense variant is not expected to disrupt BGN protein function with a negative predictive value of 80%. In summary, the available evidence is currently insufficient to determine the role of this variant in disease. Therefore, it has been classified as a Variant of Uncertain Significance.